The following is an entry in ClinVar:

ClinVar aggregate classification (germline): Uncertain significance (1 of 4 stars; one submission).

Allele frequency attached by ClinVar (database versions not stated): gnomAD exomes below 0.00001; gnomAD 0.00001; TOPMed 0.00001.
gnomAD v4.1: 5 of 1,613,842 alleles (0.00031%); highest among the groups gnomAD compares: African/African-American, 0.0013%; no homozygotes.

Submission:

Labcorp Genetics (formerly Invitae), Labcorp
Classification: Uncertain significance. Last evaluated: 2019-11-01. Review status: criteria provided, single submitter. Criteria: Invitae Variant Classification Sherloc (09022015). Collection method: clinical testing. Allele origin: germline.
Comment: This sequence change replaces arginine with threonine at codon 225 of the CYP4V2 protein (p.Arg225Thr). The arginine residue is moderately conserved and there is a moderate physicochemical difference between arginine and threonine. This variant also falls at the last nucleotide of exon 5 of the CYP4V2 coding sequence, which is part of the consensus splice site for this exon. This variant is not present in population databases (ExAC no frequency). This variant has not been reported in the literature in individuals with CYP4V2-related conditions. Algorithms developed to predict the effect of missense changes on protein structure and function (SIFT, PolyPhen-2, Align-GVGD) all suggest that this variant is likely to be tolerated, but these predictions have not been confirmed by published functional studies and their clinical significance is uncertain. Nucleotide substitutions within the consensus splice site are a relatively common cause of aberrant splicing (PMID: 17576681, 9536098). Algorithms developed to predict the effect of sequence changes on RNA splicing suggest that this variant may disrupt the consensus splice site, but this prediction has not been confirmed by published transcriptional studies. In summary, the available evidence is currently insufficient to determine the role of this variant in disease. Therefore, it has been classified as a Variant of Uncertain Significance.

Literature cited by the submitters: PubMed 17576681; PubMed 9536098.

NM_207352.4(CYP4V2):c.674G>C (p.Arg225Thr)

Gene: CYP4V2 (cytochrome P450 family 4 subfamily V member 2; plus strand). Cytogenetic location: 4q35.1.
Variant type: single nucleotide variant.
Coding change: c.674G>C on transcript NM_207352.4 (MANE Select); coding-DNA position 674, G replaced by C.
Protein change: p.Arg225Thr; replaces arginine 225 with threonine.
Molecular consequence: missense variant.
Genome position (GRCh38, 1-based): chr4:186,197,602, G>C. VCF-style: chr4-186197602-G-C. GRCh37 (hg19) VCF-style: chr4-187118756-G-C.
Other names: short protein forms R225T.
Identifiers: ClinVar variation 960507 (VCV000960507.9), dbSNP rs1256187484, ClinGen allele CA358947844.